The following is an entry in ClinVar:

NM_020686.6(ABAT):c.*1593T>A

Gene: ABAT (4-aminobutyrate aminotransferase; plus strand). Cytogenetic location: 16p13.2.
Variant type: single nucleotide variant.
Coding change: c.*1593T>A on transcript NM_020686.6 (MANE Select); 1593 bases downstream of the stop codon, T replaced by A.
Molecular consequence: 3 prime UTR variant.
Genome position (GRCh38, 1-based): chr16:8,783,023, T>A. VCF-style: chr16-8783023-T-A. GRCh37 (hg19) VCF-style: chr16-8876880-T-A.
Other names: c.*1593T>A (NM_000663.5, NM_001127448.2, NM_001386600.1 and 14 more transcripts); c.*1607T>A (NM_001386609.1, NM_001386616.1).
Identifiers: ClinVar variation 321126 (VCV000321126.6), dbSNP rs1061842, ClinGen allele CA10649112.

ClinVar aggregate classification (germline): Benign. Review status: criteria provided, multiple submitters, no conflicts (2 of 4 stars). 2 submissions from 2 submitters: Benign (2). Last evaluated 2018-01-13.

Conditions:
Gamma-aminobutyric acid transaminase deficiency (GABATD). Also called: GABA aminotransaminase deficiency; GABA transaminase deficiency; Gamma aminobutyrate transaminase deficiency; 4 alpha aminobutyrate transaminase deficiency. Identifiers: Orphanet 2066, MedGen C0342708, MONDO:0013166, OMIM 613163.

Allele frequency attached by ClinVar (database versions not stated): 1000 Genomes Project 30x 0.38304; 1000 Genomes Project 0.38618; TOPMed 0.40541; gnomAD exomes 0.50000.
gnomAD v4.1: 63,020 of 151,890 alleles (41%); highest among the groups gnomAD compares: Non-Finnish European, 46%; 13,176 homozygotes.

Submissions (2):

Illumina Laboratory Services, Illumina
Classification: Benign for Gamma-aminobutyric acid transaminase deficiency. Last evaluated: 2018-01-13. Review status: criteria provided, single submitter. Criteria: ICSL Variant Classification Criteria 13 December 2019. Collection method: clinical testing. Allele origin: germline.
Comment: This variant was observed in the ICSL laboratory as part of a predisposition screen in an ostensibly healthy population. It had not been previously curated by ICSL or reported in the Human Gene Mutation Database (HGMD: prior to June 1st, 2018), and was therefore a candidate for classification through an automated scoring system. Utilizing variant allele frequency, disease prevalence and penetrance estimates, and inheritance mode, an automated score was calculated to assess if this variant is too frequent to cause the disease. Based on the score and internal cut-off values, a variant classified as benign is not then subjected to further curation. The score for this variant resulted in a classification of benign for this disease.

Breakthrough Genomics
Classification: Benign. Review status: criteria provided, single submitter. Criteria: ACMG Guidelines, 2015. Collection method: not provided. Allele origin: germline. Inheritance: Autosomal recessive inheritance. Affected: yes.